The following is an entry in ClinVar:

ClinVar aggregate classification (germline): Likely pathogenic (1 of 4 stars; one submission).

Conditions:
Branchiootorenal syndrome 1. Also called: Branchio-Oto-Renal Syndrome 1. Identifiers: Orphanet 107, MedGen C4551702, MONDO:0007236, OMIM 113650.

Submission:

Institute of Rare Diseases, West China Hospital, Sichuan University
Classification: Likely pathogenic for Branchiootorenal syndrome 1. Last evaluated: 2025-01-09. Review status: criteria provided, single submitter. Criteria: ClinGen HL ACMG Specifications v1. Collection method: research. Allele origin: germline. Affected: yes.
Comment: PVS1;PM2_Supporting

NM_000503.6(EYA1):c.1163del (p.Asp388fs)

Gene: EYA1 (EYA transcriptional coactivator and phosphatase 1; minus strand). Cytogenetic location: 8q13.3.
Variant type: Deletion.
Coding change: c.1163del on transcript NM_000503.6 (MANE Select); coding-DNA position 1163, one base deleted (A; older notation c.1163delA).
Protein change: p.Asp388fs; shifts the reading frame from aspartic acid 388.
Molecular consequence: frameshift variant.
Genome position (GRCh38, 1-based): chr8:71,217,001, T deleted on the plus strand (A on the coding strand, the reverse complement: EYA1 is on the minus strand). VCF-style (leftmost placement, unchanged base first): chr8-71217000-AT-A. GRCh37 (hg19) VCF-style: chr8-72129235-AT-A.
Other names: c.1145del, p.Asp382fs (NM_001288574.2, NM_172059.5); c.797del, p.Asp266fs (NM_001288575.2); c.1250del, p.Asp417fs (NM_001370333.1); c.1163del, p.Asp388fs (NM_001370334.1, NM_001370335.1, NM_172058.4); c.1142del, p.Asp381fs (NM_001370336.1); c.1064del, p.Asp355fs (NM_001411797.1, NM_172060.4); short protein forms D266fs, D355fs, D381fs, D382fs, D388fs, D417fs.
Identifiers: ClinVar variation 3601094 (VCV003601094.1).